The following is an entry in ClinVar:

ClinVar aggregate classification (germline): Pathogenic (1 of 4 stars; one submission).

Conditions:
Autosomal recessive limb-girdle muscular dystrophy type 2L (LGMDR12). Also called: Limb-girdle muscular dystrophy, type 2L; MUSCULAR DYSTROPHY, LIMB-GIRDLE, AUTOSOMAL RECESSIVE 12; Limb-Girdle Muscular Dystrophy R12 Anoctamin-5-Related (LGMD-R12). Identifiers: Orphanet 206549, MedGen C1969785, MONDO:0012652, OMIM 611307.
Gnathodiaphyseal dysplasia (GDD). Also called: GNATHODIAPHYSEAL SCLEROSIS; OSTEOGENESIS IMPERFECTA WITH UNUSUAL SKELETAL LESIONS. Identifiers: Orphanet 53697, MedGen C1833736, MONDO:0008151, OMIM 166260.

Submission:

Labcorp Genetics (formerly Invitae), Labcorp
Classification: Pathogenic for Autosomal recessive limb-girdle muscular dystrophy type 2L; Gnathodiaphyseal dysplasia. Last evaluated: 2018-07-31. Review status: criteria provided, single submitter. Criteria: Invitae Variant Classification Sherloc (09022015). Collection method: clinical testing. Allele origin: germline.
Comment: For these reasons, this variant has been classified as Pathogenic. Loss-of-function variants in ANO5 are known to be pathogenic (PMID: 21186264, 23606453, 25891276). This variant has not been reported in the literature in individuals with ANO5-related disease. This variant is not present in population databases (ExAC no frequency). This sequence change creates a premature translational stop signal (p.Ile292Argfs*27) in the ANO5 gene. It is expected to result in an absent or disrupted protein product.

Literature cited by the submitters: PubMed 21186264; PubMed 23606453; PubMed 25891276.

NM_213599.3(ANO5):c.873_876del (p.Ile292fs)

Gene: ANO5 (anoctamin 5; plus strand). Cytogenetic location: 11p14.3.
Variant type: Deletion.
Coding change: c.873_876del on transcript NM_213599.3 (MANE Select); coding-DNA positions 873 to 876, 4 bases deleted (GATT; older notation c.873_876delGATT).
Protein change: p.Ile292fs; shifts the reading frame from isoleucine 292.
Molecular consequence: frameshift variant.
Genome position (GRCh38, 1-based): chr11:22,239,679-22,239,682, GATT deleted; deleting any 4 consecutive bases within chr11:22,239,677-22,239,682 gives the same sequence; the c. name uses the placement nearest the transcript's 3' end. VCF-style (leftmost placement, unchanged base first): chr11-22239676-CTTGA-C. GRCh37 (hg19) VCF-style: chr11-22261222-CTTGA-C.
Other names: c.873_876delGATT (NM_213599.2); c.870_873del, p.Ile291fs (NM_001142649.2); short protein forms I291fs, I292fs.
Identifiers: ClinVar variation 644214 (VCV000644214.7), dbSNP rs1458677325, ClinGen allele CA597909400.